The following is an entry in ClinVar:

ClinVar aggregate classification (germline): Uncertain significance (1 of 4 stars; one submission).

Conditions:
Tuberous sclerosis 2 (TSC2). Identifiers: Orphanet 805, MedGen C1860707, MONDO:0013199, OMIM 613254.

Submission:

Labcorp Genetics (formerly Invitae), Labcorp
Classification: Uncertain significance for Tuberous sclerosis 2. Last evaluated: 2024-06-18. Review status: criteria provided, single submitter. Criteria: Invitae Variant Classification Sherloc (09022015). Collection method: clinical testing. Allele origin: germline.
Comment: This sequence change replaces serine, which is neutral and polar, with cysteine, which is neutral and slightly polar, at codon 660 of the TSC2 protein (p.Ser660Cys). This variant is not present in population databases (gnomAD no frequency). This variant has not been reported in the literature in individuals affected with TSC2-related conditions. Advanced modeling of protein sequence and biophysical properties (such as structural, functional, and spatial information, amino acid conservation, physicochemical variation, residue mobility, and thermodynamic stability) performed at Invitae indicates that this missense variant is not expected to disrupt TSC2 protein function with a negative predictive value of 95%. In summary, the available evidence is currently insufficient to determine the role of this variant in disease. Therefore, it has been classified as a Variant of Uncertain Significance.

NM_000548.5(TSC2):c.1978A>T (p.Ser660Cys)

Gene: TSC2 (TSC complex subunit 2; plus strand). Cytogenetic location: 16p13.3.
Variant type: single nucleotide variant.
Coding change: c.1978A>T on transcript NM_000548.5 (MANE Select); coding-DNA position 1978, A replaced by T.
Protein change: p.Ser660Cys; replaces serine 660 with cysteine.
Molecular consequence: missense variant. On other transcripts: non-coding transcript variant (5).
Genome position (GRCh38, 1-based): chr16:2,071,815, A>T. VCF-style: chr16-2071815-A-T. GRCh37 (hg19) VCF-style: chr16-2121816-A-T.
Other names: c.1978A>T, p.Ser660Cys (NM_001370405.1, NM_001406663.1, NM_001406664.1 and 6 more transcripts); c.2068A>T, p.Ser690Cys (NM_001406667.1, NM_001406668.1); c.1867A>T, p.Ser623Cys (NM_001406670.1, NM_001318827.2, NM_001406678.1); c.1966A>T, p.Ser656Cys (NM_001406671.1, NM_001406673.1); c.1831A>T, p.Ser611Cys (NM_001406675.1, NM_001318829.2, NM_001406676.1 and 1 more transcripts); c.1378A>T, p.Ser460Cys (NM_001406685.1, NM_001406686.1, NM_001406687.1 and 6 more transcripts); c.634A>T, p.Ser212Cys (NM_001406689.1, NM_001406690.1, NM_001406691.1 and 6 more transcripts); c.2011A>T, p.Ser671Cys (NM_001318832.2); and 3 more; short protein forms S212C, S623C, S641C, S611C, S660C, S460C, S506C, S656C.
Identifiers: ClinVar variation 3637197 (VCV003637197.2).